The following is an entry in ClinVar:

NM_002880.4(RAF1):c.1803+6G>A

Gene: RAF1 (Raf-1 proto-oncogene, serine/threonine kinase; minus strand). Cytogenetic location: 3p25.2.
Variant type: single nucleotide variant.
Coding change: c.1803+6G>A on transcript NM_002880.4 (MANE Select); 6 bases into the intron after coding-DNA position 1803, G replaced by A.
Molecular consequence: intron variant.
Genome position (GRCh38, 1-based): chr3:12,584,841, C>T on the plus strand (G>A on the coding strand, the complement: RAF1 is on the minus strand). VCF-style: chr3-12584841-C-T. GRCh37 (hg19) VCF-style: chr3-12626340-C-T.
Other names: c.1461+6G>A (NM_001354695.3); c.1560+6G>A (NM_001354692.3, NM_001354691.3); c.1620+6G>A (NM_001354694.3); c.1704+6G>A (NM_001354693.3); c.1863+6G>A (NM_001354689.3); c.1803+6G>A (NM_001354690.3).
Identifiers: ClinVar variation 3694897 (VCV003694897.2).

ClinVar aggregate classification (germline): Uncertain significance (1 of 4 stars; one submission).

Conditions:
RASopathy. Also called: Noonan spectrum disorder; rasopathies. Identifiers: Orphanet 536391, MedGen C5555857, MONDO:0021060.

Submission:

Labcorp Genetics (formerly Invitae), Labcorp
Classification: Uncertain significance for RASopathy. Last evaluated: 2024-03-11. Review status: criteria provided, single submitter. Criteria: Invitae Variant Classification Sherloc (09022015). Collection method: clinical testing. Allele origin: germline.
Comment: This sequence change falls in intron 16 of the RAF1 gene. It does not directly change the encoded amino acid sequence of the RAF1 protein. It affects a nucleotide within the consensus splice site. This variant is not present in population databases (gnomAD no frequency). This variant has not been reported in the literature in individuals affected with RAF1-related conditions. Variants that disrupt the consensus splice site are a relatively common cause of aberrant splicing (PMID: 17576681, 9536098). Algorithms developed to predict the effect of sequence changes on RNA splicing suggest that this variant is not likely to affect RNA splicing. In summary, the available evidence is currently insufficient to determine the role of this variant in disease. Therefore, it has been classified as a Variant of Uncertain Significance.

Literature cited by the submitters: PubMed 17576681; PubMed 9536098.